The following is an entry in ClinVar:

NM_001283009.2(RTEL1):c.2732A>G (p.Asn911Ser)

Genes: RTEL1 (regulator of telomere elongation helicase 1; plus strand), RTEL1-TNFRSF6B (RTEL1-TNFRSF6B readthrough (NMD candidate); plus strand). Cytogenetic location: 20q13.33.
Variant type: single nucleotide variant.
Coding change: c.2732A>G on transcript NM_001283009.2 (MANE Select); coding-DNA position 2732, A replaced by G.
Protein change: p.Asn911Ser; replaces asparagine 911 with serine.
Molecular consequence: missense variant. On other transcripts: non-coding transcript variant (1).
Genome position (GRCh38, 1-based): chr20:63,692,884, A>G. VCF-style: chr20-63692884-A-G. GRCh37 (hg19) VCF-style: chr20-62324237-A-G.
Other names: c.2063A>G, p.Asn688Ser (NM_001283010.1); c.2732A>G, p.Asn911Ser (NM_016434.4); c.2804A>G, p.Asn935Ser (NM_032957.5); short protein forms N688S, N911S, N935S.
Identifiers: ClinVar variation 1921145 (VCV001921145.5), dbSNP rs2517165221, ClinGen allele CA409682929.

ClinVar aggregate classification (germline): Uncertain significance (1 of 4 stars; one submission).

Conditions:
Dyskeratosis congenita, autosomal recessive 5 (DKCB5). Identifiers: MedGen C3554656, MONDO:0014076, OMIM 615190.
Pulmonary fibrosis and/or bone marrow failure, Telomere-related, 3. Also called: PULMONARY FIBROSIS AND/OR BONE MARROW FAILURE SYNDROME, TELOMERE-RELATED, 3. Identifiers: Orphanet 2032, MedGen C4225346, MONDO:0014613, OMIM 616373.

Submission:

Labcorp Genetics (formerly Invitae), Labcorp
Classification: Uncertain significance for Dyskeratosis congenita, autosomal recessive 5; Pulmonary fibrosis and/or bone marrow failure, Telomere-related, 3. Last evaluated: 2024-05-06. Review status: criteria provided, single submitter. Criteria: Invitae Variant Classification Sherloc (09022015). Collection method: clinical testing. Allele origin: germline.
Comment: This sequence change replaces asparagine, which is neutral and polar, with serine, which is neutral and polar, at codon 911 of the RTEL1 protein (p.Asn911Ser). This variant is not present in population databases (gnomAD no frequency). This variant has not been reported in the literature in individuals affected with RTEL1-related conditions. ClinVar contains an entry for this variant (Variation ID: 1921145). Algorithms developed to predict the effect of missense changes on protein structure and function output the following: SIFT: "Not Available"; PolyPhen-2: "Benign"; Align-GVGD: "Not Available". The serine amino acid residue is found in multiple mammalian species, which suggests that this missense change does not adversely affect protein function. In summary, the available evidence is currently insufficient to determine the role of this variant in disease. Therefore, it has been classified as a Variant of Uncertain Significance.